The following is an entry in ClinVar:

NM_000138.5(FBN1):c.5387_5388delinsTT (p.Gly1796Val)

Gene: FBN1 (fibrillin 1; minus strand). Cytogenetic location: 15q21.1.
Variant type: Indel.
Coding change: c.5387_5388delinsTT on transcript NM_000138.5 (MANE Select); coding-DNA positions 5387 to 5388, GA replaced by TT.
Protein change: p.Gly1796Val; replaces glycine 1796 with valine.
Molecular consequence: missense variant.
Genome position (GRCh38, 1-based): chr15:48,456,671-48,456,672, TC replaced by AA on the plus strand (GA replaced by TT on the coding strand, the reverse complement: FBN1 is on the minus strand). VCF-style: chr15-48456671-TC-AA. GRCh37 (hg19) VCF-style: chr15-48748868-TC-AA.
Other names: c.5387_5388delGAinsTT, p.Gly1796Val (NM_001406716.1); short protein forms G1796V.
Identifiers: ClinVar variation 1747195 (VCV001747195.2), dbSNP rs2505478942, ClinGen allele CA2580089600.

ClinVar aggregate classification (germline): Uncertain significance (1 of 4 stars; one submission).

Conditions:
Familial thoracic aortic aneurysm and aortic dissection (TAAD). Also called: Thoracic aortic aneurysms and dissections. Identifiers: Orphanet 91387, MedGen C4707243, MONDO:0019625.

Submission:

Ambry Genetics
Classification: Uncertain significance for Familial thoracic aortic aneurysm and aortic dissection. Last evaluated: 2020-07-31. Review status: criteria provided, single submitter. Criteria: Ambry Variant Classification Scheme 2023. Collection method: clinical testing. Allele origin: germline.
Comment: The c.5387_5388delGAinsTT variant (also known as p.G1796V), located in coding exon 43 of the FBN1 gene, results from an in-frame deletion of GA and insertion of TT at nucleotide positions 5387 to 5388. This results in the substitution of the glycine residue for a valine residue at codon 1796, an amino acid with dissimilar properties. A missense variant (c.5387G>T) resulting in the same amino acid substitution p.G1796V was reported in a classical Marfan syndrome case; however, clinical details were limited (Comeglio P et al. Hum. Mutat., 2007 Sep;28:928). This amino acid position is highly conserved in available vertebrate species. In addition, this alteration is predicted to be deleterious by in silico analysis (Choi Y et al. PLoS ONE. 2012; 7(10):e46688). Since supporting evidence is limited at this time, the clinical significance of this alteration remains unclear.

Literature cited by the submitters: PubMed 17657824.